The following is an entry in ClinVar:

ClinVar aggregate classification (germline): Likely benign (1 of 4 stars; one submission).

Submission:

CeGaT Center for Human Genetics Tuebingen
Classification: Likely benign. Last evaluated: 2024-03-01. Review status: criteria provided, single submitter. Criteria: CeGaT Center For Human Genetics Tuebingen Variant Classification Criteria Version 2. Collection method: clinical testing. Allele origin: germline. Affected: yes. Observed: 1 variant allele.
Comment: MYH14: PM2:Supporting, BP4, BP7

NM_001145809.2(MYH14):c.360G>T (p.Ser120=)

Gene: MYH14 (myosin heavy chain 14; plus strand). Cytogenetic location: 19q13.33.
Variant type: single nucleotide variant.
Coding change: c.360G>T on transcript NM_001145809.2 (MANE Select); coding-DNA position 360, G replaced by T.
Protein change: p.Ser120=; no amino-acid change (serine 120 retained).
Molecular consequence: synonymous variant.
Genome position (GRCh38, 1-based): chr19:50,210,725, G>T. VCF-style: chr19-50210725-G-T. GRCh37 (hg19) VCF-style: chr19-50713982-G-T.
Other names: c.360G>T, p.Ser120= (NM_001077186.2, NM_024729.4).
Identifiers: ClinVar variation 3067627 (VCV003067627.21), dbSNP rs2032146086, ClinGen allele CA508175282.